The following is an entry in ClinVar:

NM_173477.5(USH1G):c.203C>T (p.Pro68Leu)

Gene: USH1G (USH1 protein network component sans; minus strand). Cytogenetic location: 17q25.1.
Variant type: single nucleotide variant.
Coding change: c.203C>T on transcript NM_173477.5 (MANE Select); coding-DNA position 203, C replaced by T.
Protein change: p.Pro68Leu; replaces proline 68 with leucine.
Molecular consequence: missense variant. On other transcripts: intron variant (1).
Genome position (GRCh38, 1-based): chr17:74,920,633, G>A on the plus strand (C>T on the coding strand, the complement: USH1G is on the minus strand). VCF-style: chr17-74920633-G-A. GRCh37 (hg19) VCF-style: chr17-72916728-G-A.
Other names: c.-92-15C>T (NM_001282489.3); short protein forms P68L.
Identifiers: ClinVar variation 1723534 (VCV001723534.2), dbSNP rs1330435300, ClinGen allele CA400966775.

ClinVar aggregate classification (germline): Uncertain significance (1 of 4 stars; one submission).

Allele frequency attached by ClinVar (database versions not stated): gnomAD exomes below 0.00001.
gnomAD v4.1: 2 of 1,613,812 alleles (0.00012%); highest among the groups gnomAD compares: African/African-American, 0.0013%; no homozygotes.

Submission:

GeneDx
Classification: Uncertain significance. Last evaluated: 2022-05-10. Review status: criteria provided, single submitter. Criteria: GeneDx Variant Classification Process June 2021. Collection method: clinical testing. Allele origin: germline. Affected: yes.
Comment: Not observed at significant frequency in large population cohorts (gnomAD); In silico analysis supports that this missense variant has a deleterious effect on protein structure/function; Has not been previously published as pathogenic or benign to our knowledge